The following is an entry in ClinVar:

NM_001198800.3(ASCC1):c.41G>A (p.Arg14Gln)

Gene: ASCC1 (activating signal cointegrator 1 complex subunit 1; minus strand). Cytogenetic location: 10q22.1.
Variant type: single nucleotide variant.
Coding change: c.41G>A on transcript NM_001198800.3 (MANE Select); coding-DNA position 41, G replaced by A.
Protein change: p.Arg14Gln; replaces arginine 14 with glutamine.
Molecular consequence: missense variant. On other transcripts: 5 prime UTR variant (5), non-coding transcript variant (1).
Genome position (GRCh38, 1-based): chr10:72,213,258, C>T on the plus strand (G>A on the coding strand, the complement: ASCC1 is on the minus strand). VCF-style: chr10-72213258-C-T. GRCh37 (hg19) VCF-style: chr10-73973016-C-T.
Other names: c.41G>A, p.Arg14Gln (NM_001198798.2, NM_001198799.3, NM_001369087.1 and 19 more transcripts); c.107G>A, p.Arg36Gln (NM_001369085.1, NM_001369086.1, NM_001369099.1); c.-175G>A (NM_001369101.1, NM_001369102.1, NM_001369105.1 and 2 more transcripts); c.41G>A (NM_001198800.1); short protein forms R36Q, R14Q.
Identifiers: ClinVar variation 1363060 (VCV001363060.7), dbSNP rs765691174, ClinGen allele CA5549177.

ClinVar aggregate classification (germline): Uncertain significance. Review status: criteria provided, multiple submitters, no conflicts (2 of 4 stars). 2 submissions from 2 submitters: Uncertain significance (2). Last evaluated 2024-07-27.

Conditions:
Inborn genetic diseases. Identifiers: MedGen C0950123, MeSH D030342.

Allele frequency attached by ClinVar (database versions not stated): gnomAD 0.00001 and 0.00002; gnomAD exomes 0.00001 and 0.00002; ExAC 0.00002.

Submissions (2):

Ambry Genetics
Classification: Uncertain significance for Inborn genetic diseases. Last evaluated: 2024-07-27. Review status: criteria provided, single submitter. Criteria: Ambry Variant Classification Scheme 2023. Collection method: clinical testing. Allele origin: germline.

Labcorp Genetics (formerly Invitae), Labcorp
Classification: Uncertain significance. Last evaluated: 2021-09-24. Review status: criteria provided, single submitter. Criteria: Invitae Variant Classification Sherloc (09022015). Collection method: clinical testing. Allele origin: germline.
Comment: This variant is present in population databases (rs765691174, ExAC 0.006%). In summary, the available evidence is currently insufficient to determine the role of this variant in disease. Therefore, it has been classified as a Variant of Uncertain Significance. Algorithms developed to predict the effect of missense changes on protein structure and function are either unavailable or do not agree on the potential impact of this missense change (SIFT: "Deleterious"; PolyPhen-2: "Probably Damaging"; Align-GVGD: "Class C0"). This variant has not been reported in the literature in individuals affected with ASCC1-related conditions. This sequence change replaces arginine with glutamine at codon 14 of the ASCC1 protein (p.Arg14Gln). The arginine residue is highly conserved and there is a small physicochemical difference between arginine and glutamine.